The following is an entry in ClinVar:

ClinVar aggregate classification (germline): Uncertain significance (1 of 4 stars; one submission).

Conditions:
RYR1-related disorder. Also called: RYR1-related condition; RYR1-related disorders. Identifiers: MedGen CN239331.

Submission:

Labcorp Genetics (formerly Invitae), Labcorp
Classification: Uncertain significance for RYR1-related disorder. Last evaluated: 2024-04-03. Review status: criteria provided, single submitter. Criteria: Invitae Variant Classification Sherloc (09022015). Collection method: clinical testing. Allele origin: germline.
Comment: This sequence change replaces leucine, which is neutral and non-polar, with proline, which is neutral and non-polar, at codon 3922 of the RYR1 protein (p.Leu3922Pro). This variant is not present in population databases (gnomAD no frequency). This variant has not been reported in the literature in individuals affected with RYR1-related conditions. Advanced modeling of protein sequence and biophysical properties (such as structural, functional, and spatial information, amino acid conservation, physicochemical variation, residue mobility, and thermodynamic stability) performed at Invitae indicates that this missense variant is expected to disrupt RYR1 protein function with a positive predictive value of 95%. In summary, the available evidence is currently insufficient to determine the role of this variant in disease. Therefore, it has been classified as a Variant of Uncertain Significance.

NM_000540.3(RYR1):c.11765T>C (p.Leu3922Pro)

Gene: RYR1 (ryanodine receptor 1; plus strand). Cytogenetic location: 19q13.2.
Variant type: single nucleotide variant.
Coding change: c.11765T>C on transcript NM_000540.3 (MANE Select); coding-DNA position 11765, T replaced by C.
Protein change: p.Leu3922Pro; replaces leucine 3922 with proline.
Molecular consequence: missense variant.
Genome position (GRCh38, 1-based): chr19:38,543,422, T>C. VCF-style: chr19-38543422-T-C. GRCh37 (hg19) VCF-style: chr19-39034062-T-C.
Other names: c.11750T>C, p.Leu3917Pro (NM_001042723.2); short protein forms L3917P, L3922P.
Identifiers: ClinVar variation 3636246 (VCV003636246.2).
Genomic context (GRCh38, chr19:38,543,422, plus strand): 5'-TACGGACACAGACAGGGAACACGACCACTATTAACATCATCATTTGCACTGTGGACTACC[T>C]CCTGCGGCTGCAGGTGAGGACGTGAGACGGTTCAGGTGTGACTTGGGTCGGGGGCTGCAG-3'
Protein context (NP_000531.2, residues 3912-3932): INIIICTVDY[Leu3922Pro]LRLQESISDF